The following is an entry in ClinVar:

ClinVar aggregate classification (germline): Uncertain significance. Review status: criteria provided, multiple submitters, no conflicts (2 of 4 stars). 2 submissions from 2 submitters: Uncertain significance (2). Last evaluated 2024-08-28.

Conditions:
Neuroblastoma, susceptibility to, 3. Also called: ALK-Related Neuroblastic Tumor Susceptibility. Identifiers: Orphanet 635, MedGen C2751681, MONDO:0013083, OMIM 613014.
Hereditary cancer-predisposing syndrome. Also called: Neoplastic Syndromes, Hereditary; Tumor predisposition; Hereditary Cancer Syndrome; Hereditary neoplastic syndrome. Identifiers: Orphanet 140162, MedGen C0027672, MeSH D009386, MONDO:0015356.

Allele frequency attached by ClinVar (database versions not stated): gnomAD exomes below 0.00001; gnomAD 0.00001; TOPMed 0.00001.
gnomAD v4.1: 2 of 1,613,904 alleles (0.00012%); highest among the groups gnomAD compares: African/African-American, 0.0027%; no homozygotes.

Submissions (2):

Ambry Genetics
Classification: Uncertain significance for Hereditary cancer-predisposing syndrome. Last evaluated: 2024-08-28. Review status: criteria provided, single submitter. Criteria: Ambry Variant Classification Scheme 2023. Collection method: clinical testing. Allele origin: germline.
Comment: The c.3359+3G>A intronic variant results from a G to A substitution 3 nucleotides after coding exon 20 in the ALK gene. This nucleotide position is not well conserved in available vertebrate species. In silico splice site analysis predicts that this alteration will not have any significant effect on splicing. Based on the available evidence, the clinical significance of this variant remains unclear.

Labcorp Genetics (formerly Invitae), Labcorp
Classification: Uncertain significance for Neuroblastoma, susceptibility to, 3. Last evaluated: 2024-04-29. Review status: criteria provided, single submitter. Criteria: Invitae Variant Classification Sherloc (09022015). Collection method: clinical testing. Allele origin: germline.
Comment: This sequence change falls in intron 20 of the ALK gene. It does not directly change the encoded amino acid sequence of the ALK protein. It affects a nucleotide within the consensus splice site. This variant is present in population databases (no rsID available, gnomAD 0.01%). This variant has not been reported in the literature in individuals affected with ALK-related conditions. ClinVar contains an entry for this variant (Variation ID: 1730572). Variants that disrupt the consensus splice site are a relatively common cause of aberrant splicing (PMID: 17576681, 9536098). Algorithms developed to predict the effect of sequence changes on RNA splicing suggest that this variant is not likely to affect RNA splicing. In summary, the available evidence is currently insufficient to determine the role of this variant in disease. Therefore, it has been classified as a Variant of Uncertain Significance.

Literature cited by the submitters: PubMed 17576681 (cited by Labcorp Genetics (formerly Invitae), Labcorp); PubMed 9536098 (cited by Labcorp Genetics (formerly Invitae), Labcorp).

NM_004304.5(ALK):c.3359+3G>A

Gene: ALK (ALK receptor tyrosine kinase; minus strand). Cytogenetic location: 2p23.2.
Variant type: single nucleotide variant.
Coding change: c.3359+3G>A on transcript NM_004304.5 (MANE Select); 3 bases into the intron after coding-DNA position 3359, G replaced by A.
Molecular consequence: intron variant.
Genome position (GRCh38, 1-based): chr2:29,223,339, C>T on the plus strand (G>A on the coding strand, the complement: ALK is on the minus strand). VCF-style: chr2-29223339-C-T. GRCh37 (hg19) VCF-style: chr2-29446205-C-T.
Other names: c.155+3G>A (NM_001353765.2).
Identifiers: ClinVar variation 1730572 (VCV001730572.6), dbSNP rs1255390537, ClinGen allele CA531767084.